The following is an entry in ClinVar:

NM_001042492.3(NF1):c.2850+4A>G

Gene: NF1 (neurofibromin 1; plus strand). Cytogenetic location: 17q11.2.
Variant type: single nucleotide variant.
Coding change: c.2850+4A>G on transcript NM_001042492.3 (MANE Select); 4 bases into the intron after coding-DNA position 2850, A replaced by G.
Molecular consequence: intron variant.
Genome position (GRCh38, 1-based): chr17:31,229,469, A>G. VCF-style: chr17-31229469-A-G. GRCh37 (hg19) VCF-style: chr17-29556487-A-G.
Other names: c.2850+4A>G (NM_000267.4).
Identifiers: ClinVar variation 3237699 (VCV003237699.2), dbSNP rs2067075210.

ClinVar aggregate classification (germline): Uncertain significance. Review status: criteria provided, multiple submitters, no conflicts (2 of 4 stars). 2 submissions from 2 submitters: Uncertain significance (2). Last evaluated 2025-04-30.

Conditions:
Hereditary cancer-predisposing syndrome. Also called: Hereditary Cancer Syndrome; Tumor predisposition; Neoplastic Syndromes, Hereditary; Hereditary neoplastic syndrome. Identifiers: Orphanet 140162, MedGen C0027672, MeSH D009386, MONDO:0015356.
Cardiovascular phenotype. Identifiers: MedGen CN230736.
Neurofibromatosis, type 1 (NF1). Also called: VON RECKLINGHAUSEN DISEASE; Neurofibromatosis, type I; NEUROFIBROMATOSIS, TYPE I, SOMATIC; Peripheral type neurofibromatosis. Identifiers: Orphanet 636, MedGen C0027831, MONDO:0018975, OMIM 162200. Disease mechanism: loss of function.

Submissions (2):

Labcorp Genetics (formerly Invitae), Labcorp
Classification: Uncertain significance for Neurofibromatosis, type 1. Last evaluated: 2025-04-30. Review status: criteria provided, single submitter. Criteria: Invitae Variant Classification Sherloc (09022015). Collection method: clinical testing. Allele origin: germline.
Comment: This sequence change falls in intron 21 of the NF1 gene. It does not directly change the encoded amino acid sequence of the NF1 protein. It affects a nucleotide within the consensus splice site. This variant is not present in population databases (gnomAD no frequency). This variant has not been reported in the literature in individuals affected with NF1-related conditions. ClinVar contains an entry for this variant (Variation ID: 3237699). Variants that disrupt the consensus splice site are a relatively common cause of aberrant splicing (PMID: 17576681, 9536098). Algorithms developed to predict the effect of sequence changes on RNA splicing suggest that this variant is not likely to affect RNA splicing. In summary, the available evidence is currently insufficient to determine the role of this variant in disease. Therefore, it has been classified as a Variant of Uncertain Significance.

Ambry Genetics
Classification: Uncertain significance for Cardiovascular phenotype; Hereditary cancer-predisposing syndrome. Last evaluated: 2024-01-30. Review status: criteria provided, single submitter. Criteria: Ambry Variant Classification Scheme 2023. Collection method: clinical testing. Allele origin: germline.
Comment: The c.2850+4A>G intronic variant results from an A to G substitution 4 nucleotides after coding exon 21 in the NF1 gene. This nucleotide position is highly conserved in available vertebrate species. In silico splice site analysis predicts that this alteration will not have any significant effect on splicing. Based on the available evidence, the clinical significance of this alteration remains unclear.

Literature cited by the submitters: PubMed 17576681 (cited by Labcorp Genetics (formerly Invitae), Labcorp); PubMed 9536098 (cited by Labcorp Genetics (formerly Invitae), Labcorp).